The following is an entry in ClinVar:

ClinVar aggregate classification (germline): Uncertain significance (1 of 4 stars; one submission).

Submission:

Labcorp Genetics (formerly Invitae), Labcorp
Classification: Uncertain significance. Last evaluated: 2025-06-22. Review status: criteria provided, single submitter. Criteria: Invitae Variant Classification Sherloc (09022015). Collection method: clinical testing. Allele origin: germline.
Comment: This sequence change creates a premature translational stop signal (p.Ile737Metfs*9) in the DIAPH3 gene. It is expected to result in an absent or disrupted protein product. However, the current clinical and genetic evidence is not sufficient to establish whether loss-of-function variants in DIAPH3 cause disease. This variant is present in population databases (rs757757074, gnomAD 0.02%). This variant has not been reported in the literature in individuals affected with DIAPH3-related conditions. In summary, the available evidence is currently insufficient to determine the role of this variant in disease. Therefore, it has been classified as a Variant of Uncertain Significance.

NM_001042517.2(DIAPH3):c.2211_2212del (p.Ile737fs)

Gene: DIAPH3 (diaphanous related formin 3; minus strand). Cytogenetic location: 13q21.2.
Variant type: Deletion.
Coding change: c.2211_2212del on transcript NM_001042517.2 (MANE Select); coding-DNA positions 2211 to 2212, 2 bases deleted (CA; older notation c.2211_2212delCA).
Protein change: p.Ile737fs; shifts the reading frame from isoleucine 737.
Molecular consequence: frameshift variant.
Genome position (GRCh38, 1-based): chr13:59,916,208-59,916,209, TG deleted on the plus strand (CA on the coding strand, the reverse complement: DIAPH3 is on the minus strand). VCF-style (leftmost placement, unchanged base first): chr13-59916207-CTG-C. GRCh37 (hg19) VCF-style: chr13-60490341-CTG-C.
Other names: c.2178_2179del, p.Ile726fs (NM_001258366.2); c.2073_2074del, p.Ile691fs (NM_001258367.2); c.2001_2002del, p.Ile667fs (NM_001258368.2); c.2211_2212del, p.Ile737fs (NM_001258369.2); c.1422_1423del, p.Ile474fs (NM_001258370.2, NM_030932.4); short protein forms I691fs, I726fs, I474fs, I667fs, I737fs.
Identifiers: ClinVar variation 4754596 (VCV004754596.1).